The following is an entry in ClinVar:

NM_001382430.1(AKT1):c.323A>T (p.Asp108Val)

Gene: AKT1 (AKT serine/threonine kinase 1; minus strand). Cytogenetic location: 14q32.33.
Variant type: single nucleotide variant.
Coding change: c.323A>T on transcript NM_001382430.1 (MANE Select); coding-DNA position 323, A replaced by T.
Protein change: p.Asp108Val; replaces aspartic acid 108 with valine.
Molecular consequence: missense variant.
Genome position (GRCh38, 1-based): chr14:104,775,764, T>A on the plus strand (A>T on the coding strand, the complement: AKT1 is on the minus strand). VCF-style: chr14-104775764-T-A. GRCh37 (hg19) VCF-style: chr14-105242101-T-A.
Other names: c.323A>T, p.Asp108Val (NM_001014431.2, NM_001014432.2, NM_001382431.1 and 3 more transcripts); short protein forms D108V.
Identifiers: ClinVar variation 3519062 (VCV003519062.1).
Genomic context (GRCh38, chr14:104,775,764, plus strand): 5'-TTGTCACTGGGTGAGCCCGACCGGAAGTCCATCTCCTCCTCCTCCTGCTTCTTGAGGCCG[T>A]CAGCCACAGTCTGGATGGCGGTTGTCCACTCCTCCCTGCAGGAGGTCAGGTGAGGCTGCA-3'
Protein context (NP_001369359.1, residues 98-118): EWTTAIQTVA[Asp108Val]GLKKQEEEEM

ClinVar aggregate classification (germline): Uncertain significance (1 of 4 stars; one submission).

Conditions:
Inborn genetic diseases. Identifiers: MedGen C0950123, MeSH D030342.

Submission:

Ambry Genetics
Classification: Uncertain significance for Inborn genetic diseases. Last evaluated: 2024-10-06. Review status: criteria provided, single submitter. Criteria: Ambry Variant Classification Scheme 2023. Collection method: clinical testing. Allele origin: germline.
Comment: The p.D108V variant (also known as c.323A>T), located in coding exon 4 of the AKT1 gene, results from an A to T substitution at nucleotide position 323. The aspartic acid at codon 108 is replaced by valine, an amino acid with highly dissimilar properties. This amino acid position is conserved. In addition, this alteration is predicted to be tolerated by in silico analysis. Based on the available evidence, the clinical significance of this variant remains unclear.